The following is an entry in ClinVar:

NM_001182.5(ALDH7A1):c.*1749G>T

Gene: ALDH7A1 (aldehyde dehydrogenase 7 family member A1; minus strand). Cytogenetic location: 5q23.2.
Variant type: single nucleotide variant.
Coding change: c.*1749G>T on transcript NM_001182.5 (MANE Select); 1749 bases downstream of the stop codon, G replaced by T.
Molecular consequence: 3 prime UTR variant.
Genome position (GRCh38, 1-based): chr5:126,543,216, C>A on the plus strand (G>T on the coding strand, the complement: ALDH7A1 is on the minus strand). VCF-style: chr5-126543216-C-A. GRCh37 (hg19) VCF-style: chr5-125878908-C-A.
Other names: NC_000005.9:g.125878908C>A; c.*1749G>T (NM_001201377.2, NM_001202404.2).
Identifiers: ClinVar variation 350544 (VCV000350544.6), dbSNP rs744722, ClinGen allele CA10622383.

ClinVar aggregate classification (germline): Benign (1 of 4 stars; one submission).

Conditions:
Pyridoxine-dependent epilepsy (EPEO4). Also called: Pyridoxine-Dependent Epilepsy - ALDH7A1; PYRIDOXINE DEPENDENCY WITH SEIZURES; EPILEPSY, EARLY-ONSET, 4, VITAMIN B6-DEPENDENT; Pyridoxine-Dependent Seizures. Identifiers: Orphanet 3006, MedGen C1849508, MONDO:0009945, OMIM 266100. Disease mechanism: loss of function.

Allele frequency attached by ClinVar (database versions not stated): TOPMed 0.41649; gnomAD 0.42811 and 0.43161; 1000 Genomes Project 0.37320.

Submissions (2):

Illumina Laboratory Services, Illumina
Classification: Benign for Pyridoxine-dependent epilepsy. Last evaluated: 2018-01-12. Review status: criteria provided, single submitter. Criteria: ICSL Variant Classification Criteria 13 December 2019. Collection method: clinical testing. Allele origin: germline.
Comment: This variant was observed in the ICSL laboratory as part of a predisposition screen in an ostensibly healthy population. It had not been previously curated by ICSL or reported in the Human Gene Mutation Database (HGMD: prior to June 1st, 2018), and was therefore a candidate for classification through an automated scoring system. Utilizing variant allele frequency, disease prevalence and penetrance estimates, and inheritance mode, an automated score was calculated to assess if this variant is too frequent to cause the disease. Based on the score and internal cut-off values, a variant classified as benign is not then subjected to further curation. The score for this variant resulted in a classification of benign for this disease.

Dr. Peter K. Rogan Lab, Western University
No classification provided (evidence only). Condition: Malignant tumor of esophagus. Review status: no classification provided. Collection method: in vitro. Allele origin: not applicable. Functional consequence: retained intron. Not counted in ClinVar's aggregate classification.